The following is an entry in ClinVar:

NM_025137.4(SPG11):c.7153T>C (p.Tyr2385His)

Gene: SPG11 (SPG11 vesicle trafficking associated, spatacsin; minus strand). Cytogenetic location: 15q21.1.
Variant type: single nucleotide variant.
Coding change: c.7153T>C on transcript NM_025137.4 (MANE Select); coding-DNA position 7153, T replaced by C.
Protein change: p.Tyr2385His; replaces tyrosine 2385 with histidine.
Molecular consequence: missense variant.
Genome position (GRCh38, 1-based): chr15:44,563,300, A>G on the plus strand (T>C on the coding strand, the complement: SPG11 is on the minus strand). VCF-style: chr15-44563300-A-G. GRCh37 (hg19) VCF-style: chr15-44855498-A-G.
Other names: c.6814T>C, p.Tyr2272His (NM_001160227.2); short protein forms Y2272H, Y2385H.
Identifiers: ClinVar variation 1384320 (VCV001384320.5), dbSNP rs1386550783, ClinGen allele CA392211937.

ClinVar aggregate classification (germline): Uncertain significance (1 of 4 stars; one submission).

Conditions:
Hereditary spastic paraplegia 11. Also called: Spastic paraplegia, mental retardation and thin corpus callosum; SPASTIC PARAPLEGIA, AUTOSOMAL RECESSIVE, COMPLICATED, WITH THIN CORPUS CALLOSUM; SPASTIC PARAPLEGIA, AUTOSOMAL RECESSIVE, WITH MENTAL IMPAIRMENT AND THIN CORPUS CALLOSUM; Nakamura Osame syndrome; Autosomal recessive hereditary spastic paraplegia, mental impairment, and thin corpus callosum; Spastic Paraplegia 11. Identifiers: Orphanet 2822, MedGen C1858479, MONDO:0011445, OMIM 604360.

Allele frequency attached by ClinVar (database versions not stated): gnomAD exomes below 0.00001 and 0.00001.
gnomAD v4.1: 4 of 1,611,592 alleles (0.00025%); highest among the groups gnomAD compares: Non-Finnish European, 0.00034%; no homozygotes.

Submission:

Labcorp Genetics (formerly Invitae), Labcorp
Classification: Uncertain significance for Hereditary spastic paraplegia 11. Last evaluated: 2021-09-01. Review status: criteria provided, single submitter. Criteria: Invitae Variant Classification Sherloc (09022015). Collection method: clinical testing. Allele origin: germline.
Comment: This sequence change replaces tyrosine with histidine at codon 2385 of the SPG11 protein (p.Tyr2385His). The tyrosine residue is moderately conserved and there is a moderate physicochemical difference between tyrosine and histidine. This variant is not present in population databases (ExAC no frequency). This variant has not been reported in the literature in individuals affected with SPG11-related conditions. Algorithms developed to predict the effect of missense changes on protein structure and function (SIFT, PolyPhen-2, Align-GVGD) all suggest that this variant is likely to be tolerated. In summary, the available evidence is currently insufficient to determine the role of this variant in disease. Therefore, it has been classified as a Variant of Uncertain Significance.